The following is an entry in ClinVar:

ClinVar aggregate classification (germline): Uncertain significance (1 of 4 stars; one submission).

Submission:

Labcorp Genetics (formerly Invitae), Labcorp
Classification: Uncertain significance. Last evaluated: 2021-09-07. Review status: criteria provided, single submitter. Criteria: Invitae Variant Classification Sherloc (09022015). Collection method: clinical testing. Allele origin: germline.
Comment: This sequence change replaces threonine with serine at codon 660 of the LRP2 protein (p.Thr660Ser). The threonine residue is weakly conserved and there is a small physicochemical difference between threonine and serine. In summary, the available evidence is currently insufficient to determine the role of this variant in disease. Therefore, it has been classified as a Variant of Uncertain Significance. Algorithms developed to predict the effect of sequence changes on RNA splicing suggest that this variant may create or strengthen a splice site. Advanced modeling of protein sequence and biophysical properties (such as structural, functional, and spatial information, amino acid conservation, physicochemical variation, residue mobility, and thermodynamic stability) performed at Invitae indicates that this missense variant is not expected to disrupt LRP2 protein function. This variant has not been reported in the literature in individuals affected with LRP2-related conditions. This variant is not present in population databases (ExAC no frequency).

NM_004525.3(LRP2):c.1979C>G (p.Thr660Ser)

Gene: LRP2 (LDL receptor related protein 2; minus strand). Cytogenetic location: 2q31.1.
Variant type: single nucleotide variant.
Coding change: c.1979C>G on transcript NM_004525.3 (MANE Select); coding-DNA position 1979, C replaced by G.
Protein change: p.Thr660Ser; replaces threonine 660 with serine.
Molecular consequence: missense variant.
Genome position (GRCh38, 1-based): chr2:169,273,064, G>C on the plus strand (C>G on the coding strand, the complement: LRP2 is on the minus strand). VCF-style: chr2-169273064-G-C. GRCh37 (hg19) VCF-style: chr2-170129574-G-C.
Other names: short protein forms T660S.
Identifiers: ClinVar variation 1517897 (VCV001517897.6), dbSNP rs2105440801, ClinGen allele CA349141062.